The following is an entry in ClinVar:

ClinVar aggregate classification (germline): Uncertain significance (1 of 4 stars; one submission).

Allele frequency attached by ClinVar (database versions not stated): gnomAD exomes below 0.00001; gnomAD 0.00001.
gnomAD v4.1: 3 of 1,613,936 alleles (0.00019%); highest among the groups gnomAD compares: East Asian, 0.0022%; no homozygotes.

Submission:

Labcorp Genetics (formerly Invitae), Labcorp
Classification: Uncertain significance. Last evaluated: 2022-07-21. Review status: criteria provided, single submitter. Criteria: Invitae Variant Classification Sherloc (09022015). Collection method: clinical testing. Allele origin: germline.
Comment: This variant is present in population databases (no rsID available, gnomAD 0.003%). This variant has not been reported in the literature in individuals affected with IREB2-related conditions. Algorithms developed to predict the effect of missense changes on protein structure and function are either unavailable or do not agree on the potential impact of this missense change (SIFT: "Not Available"; PolyPhen-2: "Benign"; Align-GVGD: "Not Available"). In summary, the available evidence is currently insufficient to determine the role of this variant in disease. Therefore, it has been classified as a Variant of Uncertain Significance. This sequence change replaces glycine, which is neutral and non-polar, with aspartic acid, which is acidic and polar, at codon 170 of the IREB2 protein (p.Gly170Asp).

NM_004136.4(IREB2):c.509G>A (p.Gly170Asp)

Gene: IREB2 (iron responsive element binding protein 2; plus strand). Cytogenetic location: 15q25.1.
Variant type: single nucleotide variant.
Coding change: c.509G>A on transcript NM_004136.4 (MANE Select); coding-DNA position 509, G replaced by A.
Protein change: p.Gly170Asp; replaces glycine 170 with aspartic acid.
Molecular consequence: missense variant. On other transcripts: 5 prime UTR variant (1).
Genome position (GRCh38, 1-based): chr15:78,466,369, G>A. VCF-style: chr15-78466369-G-A. GRCh37 (hg19) VCF-style: chr15-78758711-G-A.
Other names: c.-172G>A (NM_001320941.2); c.338G>A, p.Gly113Asp (NM_001320942.2, NM_001354994.2); c.509G>A, p.Gly170Asp (NM_001320943.2); short protein forms G170D, G113D.
Identifiers: ClinVar variation 2102958 (VCV002102958.4), dbSNP rs1461955309, ClinGen allele CA393566817.